The following is an entry in ClinVar:

ClinVar aggregate classification (germline): Uncertain significance (1 of 4 stars; one submission).

Conditions:
ITSN2-related disorder. Also called: ITSN2-related condition.

Submission:

PreventionGenetics, part of Exact Sciences
Classification: Uncertain significance for ITSN2-related condition. Last evaluated: 2025-02-04. Review status: criteria provided, single submitter. Criteria: ACMG Guidelines, 2015. Collection method: clinical testing. Allele origin: germline.
Comment: The ITSN2 c.451C>T variant is predicted to result in the amino acid substitution p.Pro151Ser. To our knowledge, this variant has not been reported in the literature or in a large population database (gnomAD), indicating this variant is rare. At this time, the clinical significance of this variant is uncertain due to the absence of conclusive functional and genetic evidence.

NM_006277.3(ITSN2):c.451C>T (p.Pro151Ser)

Gene: ITSN2 (intersectin 2; minus strand). Cytogenetic location: 2p23.3.
Variant type: single nucleotide variant.
Coding change: c.451C>T on transcript NM_006277.3 (MANE Select); coding-DNA position 451, C replaced by T.
Protein change: p.Pro151Ser; replaces proline 151 with serine.
Molecular consequence: missense variant.
Genome position (GRCh38, 1-based): chr2:24,310,594, G>A on the plus strand (C>T on the coding strand, the complement: ITSN2 is on the minus strand). VCF-style: chr2-24310594-G-A. GRCh37 (hg19) VCF-style: chr2-24533463-G-A.
Other names: c.409C>T, p.Pro137Ser (NM_001348181.2, NM_001348184.2); c.451C>T, p.Pro151Ser (NM_001348182.2, NM_001348183.2, NM_001348185.2 and 3 more transcripts); short protein forms P151S, P137S.
Identifiers: ClinVar variation 4999359 (VCV004999359.1), dbSNP rs267599297.